The following is an entry in ClinVar:

NM_001164508.2(NEB):c.1119G>A (p.Arg373=)

Gene: NEB (nebulin; minus strand). Cytogenetic location: 2q23.3.
Variant type: single nucleotide variant.
Coding change: c.1119G>A on transcript NM_001164508.2 (MANE Select); coding-DNA position 1119, G replaced by A.
Protein change: p.Arg373=; no amino-acid change (arginine 373 retained).
Molecular consequence: synonymous variant.
Genome position (GRCh38, 1-based): chr2:151,706,914, C>T on the plus strand (G>A on the coding strand, the complement: NEB is on the minus strand). VCF-style: chr2-151706914-C-T. GRCh37 (hg19) VCF-style: chr2-152563428-C-T.
Other names: c.1119G>A, p.Arg373= (NM_001164507.2, NM_001271208.2, NM_004543.5).
Identifiers: ClinVar variation 331536 (VCV000331536.42), dbSNP rs200914626, ClinGen allele CA1911689.

ClinVar aggregate classification (germline): Conflicting classifications of pathogenicity. Review status: criteria provided, conflicting classifications (1 of 4 stars). 5 submissions from 5 submitters: Uncertain significance (1); Likely benign (3). 1 of the submissions does not count toward it. Last evaluated 2026-07-01.

Conditions:
Nemaline myopathy 2 (NEM2). Also called: Nemaline myopathy 2, autosomal recessive. Identifiers: MedGen C1850569, MONDO:0009725, OMIM 256030.
NEB-related disorder. Also called: NEB-Related Disorders; NEB-related condition.

Allele frequency attached by ClinVar (database versions not stated): TOPMed 0.00011; gnomAD 0.00012 and 0.00013; gnomAD exomes 0.00012; ExAC 0.00020.
gnomAD v4.1: 350 of 1,606,478 alleles (0.022%); highest among the groups gnomAD compares: Middle Eastern, 0.033%; no homozygotes.

Submissions (5):

CeGaT Center for Human Genetics Tuebingen
Classification: Likely benign. Last evaluated: 2026-07-01. Review status: criteria provided, single submitter. Criteria: CeGaT Center For Human Genetics Tuebingen Variant Classification Criteria Version 2. Collection method: clinical testing. Allele origin: germline. Affected: yes. Observed: 2 variant alleles.
Comment: NEB: BP4

Labcorp Genetics (formerly Invitae), Labcorp
Classification: Likely benign for Nemaline myopathy 2. Last evaluated: 2025-08-18. Review status: criteria provided, single submitter. Criteria: Invitae Variant Classification Sherloc (09022015). Collection method: clinical testing. Allele origin: germline.

Blueprint Genetics
Classification: Likely benign. Last evaluated: 2024-04-25. Review status: criteria provided, single submitter. Criteria: ACMG Guidelines, 2015. Collection method: clinical testing. Allele origin: germline.

Illumina Laboratory Services, Illumina
Classification: Uncertain significance for Nemaline myopathy 2. Last evaluated: 2018-01-13. Review status: criteria provided, single submitter. Criteria: ICSL Variant Classification Criteria 13 December 2019. Collection method: clinical testing. Allele origin: germline.

PreventionGenetics, part of Exact Sciences
Classification: Likely benign for NEB-related condition. Last evaluated: 2023-05-25. Review status: no assertion criteria provided. Collection method: clinical testing. Allele origin: germline. Not counted in ClinVar's aggregate classification.
Comment: This variant is classified as likely benign based on ACMG/AMP sequence variant interpretation guidelines (Richards et al. 2015 PMID: 25741868, with internal and published modifications).